The following is an entry in ClinVar:

ClinVar aggregate classification (germline): Uncertain significance (1 of 4 stars; one submission).

Conditions:
Familial thoracic aortic aneurysm and aortic dissection (TAAD). Also called: Thoracic aortic aneurysms and dissections. Identifiers: Orphanet 91387, MedGen C4707243, MONDO:0019625.

gnomAD v4.1: 1 of 1,612,032 alleles (0.000062%); highest among the groups gnomAD compares: African/African-American, 0.0013%; no homozygotes.

Submission:

Ambry Genetics
Classification: Uncertain significance for Familial thoracic aortic aneurysm and aortic dissection. Last evaluated: 2024-02-17. Review status: criteria provided, single submitter. Criteria: Ambry Variant Classification Scheme 2023. Collection method: clinical testing. Allele origin: germline.
Comment: The p.L1756M variant (also known as c.5266C>A), located in coding exon 28 of the NOTCH1 gene, results from a C to A substitution at nucleotide position 5266. The leucine at codon 1756 is replaced by methionine, an amino acid with highly similar properties. This amino acid position is conserved. In addition, this alteration is predicted to be tolerated by in silico analysis. Based on the available evidence, the clinical significance of this alteration remains unclear.

NM_017617.5(NOTCH1):c.5266C>A (p.Leu1756Met)

Gene: NOTCH1 (notch receptor 1; minus strand). Cytogenetic location: 9q34.3.
Variant type: single nucleotide variant.
Coding change: c.5266C>A on transcript NM_017617.5 (MANE Select); coding-DNA position 5266, C replaced by A.
Protein change: p.Leu1756Met; replaces leucine 1756 with methionine.
Molecular consequence: missense variant.
Genome position (GRCh38, 1-based): chr9:136,502,390, G>T on the plus strand (C>A on the coding strand, the complement: NOTCH1 is on the minus strand). VCF-style: chr9-136502390-G-T. GRCh37 (hg19) VCF-style: chr9-139396842-G-T.
Other names: short protein forms L1756M.
Identifiers: ClinVar variation 3226978 (VCV003226978.1), dbSNP rs746342953, ClinGen allele CA375640802.
Genomic context (GRCh38, chr9:136,502,390, plus strand): 5'-ACACTTTGAAGCCCTCAGGGAACCAGAGCTGGCCATGCTGCCGCCGGCGCTTGCGGGACA[G>T]CAGCACCCCGCAGCCCACGAAGAACAGAAGCACAAAGGCGGCCGCCGCCACGTACATGAA-3'
Protein context (NP_060087.3, residues 1746-1766): LLFFVGCGVL[Leu1756Met]SRKRRRQHGQ